The following is an entry in ClinVar:

NM_014727.3(KMT2B):c.5885G>T (p.Gly1962Val)

Gene: KMT2B (lysine methyltransferase 2B; plus strand). Cytogenetic location: 19q13.12.
Variant type: single nucleotide variant.
Coding change: c.5885G>T on transcript NM_014727.3 (MANE Select); coding-DNA position 5885, G replaced by T.
Protein change: p.Gly1962Val; replaces glycine 1962 with valine.
Molecular consequence: missense variant.
Genome position (GRCh38, 1-based): chr19:35,732,434, G>T. VCF-style: chr19-35732434-G-T. GRCh37 (hg19) VCF-style: chr19-36223335-G-T.
Other names: short protein forms G1962V.
Identifiers: ClinVar variation 2788212 (VCV002788212.3), dbSNP rs1693333956, ClinGen allele CA405424375.

ClinVar aggregate classification (germline): Uncertain significance (1 of 4 stars; one submission).

Submission:

Labcorp Genetics (formerly Invitae), Labcorp
Classification: Uncertain significance. Last evaluated: 2023-12-07. Review status: criteria provided, single submitter. Criteria: Invitae Variant Classification Sherloc (09022015). Collection method: clinical testing. Allele origin: germline.
Comment: This sequence change replaces glycine, which is neutral and non-polar, with valine, which is neutral and non-polar, at codon 1962 of the KMT2B protein (p.Gly1962Val). This variant is not present in population databases (gnomAD no frequency). This variant has not been reported in the literature in individuals affected with KMT2B-related conditions. Advanced modeling of protein sequence and biophysical properties (such as structural, functional, and spatial information, amino acid conservation, physicochemical variation, residue mobility, and thermodynamic stability) performed at Invitae indicates that this missense variant is not expected to disrupt KMT2B protein function with a negative predictive value of 95%. In summary, the available evidence is currently insufficient to determine the role of this variant in disease. Therefore, it has been classified as a Variant of Uncertain Significance.